The following is an entry in ClinVar:

NM_001174096.2(ZEB1):c.1485dup (p.Glu496fs)

Gene: ZEB1 (zinc finger E-box binding homeobox 1; plus strand). Cytogenetic location: 10p11.22.
Variant type: Duplication.
Coding change: c.1485dup on transcript NM_001174096.2 (MANE Select); coding-DNA position 1485, one base duplicated (A; older notation c.1485dupA).
Protein change: p.Glu496fs; shifts the reading frame from glutamic acid 496.
Molecular consequence: frameshift variant.
Genome position (GRCh38, 1-based): chr10:31,520,817, A duplicated; the last of 7 consecutive A bases (chr10:31,520,811-31,520,817); duplicating any one gives the same sequence. VCF-style (leftmost placement, unchanged base first): chr10-31520810-T-TA. GRCh37 (hg19) VCF-style: chr10-31809738-T-TA.
Other names: c.828dup, p.Glu277fs (NM_001323638.2, NM_001323641.2, NM_001323642.2 and 27 more transcripts); c.1260dup, p.Glu421fs (NM_001323674.2); c.1218dup, p.Glu407fs (NM_001323675.2); c.1443dup, p.Glu482fs (NM_001323676.2); c.1440dup, p.Glu481fs (NM_001323677.2); c.1209dup, p.Glu404fs (NM_001323678.2); c.1482dup, p.Glu495fs (NM_030751.6); c.1434dup, p.Glu479fs (NM_001128128.3); and 3 more; short protein forms E277fs, E404fs, E407fs, E421fs, E428fs, E475fs, E478fs, E479fs.
Identifiers: ClinVar variation 2500583 (VCV002500583.2), dbSNP rs2543987968, ClinGen allele CA645563148.
Genomic context (GRCh38, chr10:31,520,810, plus strand): 5'-AAATTATCATCAACTACAGTCTTGAGCAGCCTAGCCAACTTCAAGTTGTTCCTCAAAATT[T>TA]AAAAAAAGAAAATCCAGTCGCTACAAACAGTTGTAAAAGTGAAAAGTTACCAGAAGATCT-3'

ClinVar aggregate classification (germline): Pathogenic (1 of 4 stars; one submission).

Submission:

GeneDx
Classification: Pathogenic. Last evaluated: 2025-04-07. Review status: criteria provided, single submitter. Criteria: GeneDx Variant Classification Process June 2021. Collection method: clinical testing. Allele origin: germline.
Comment: Segregated with disease in a family affected with posterior polymorphous corneal dystrophy in published literature (PMID: 17935237); Frameshift variant predicted to result in protein truncation or nonsense mediated decay in a gene for which loss of function is a known mechanism of disease; Not observed at significant frequency in large population cohorts (gnomAD); Also known as c.1506dupA; This variant is associated with the following publications: (PMID: 19337156, 25190660, 17935237)